The following is an entry in ClinVar:

ClinVar aggregate classification (germline): Benign/Likely benign. Review status: criteria provided, multiple submitters, no conflicts (2 of 4 stars). 10 submissions from 8 submitters: Benign (7); Likely benign (1). 2 of the submissions do not count toward it. Last evaluated 2025-06-30.

Conditions:
von Willebrand disease type 1 (VWD1). Also called: VON WILLEBRAND DISEASE, TYPE I; VWD, TYPE 1. Identifiers: Orphanet 166078, Orphanet 903, MedGen C1264039, MONDO:0008668, OMIM 193400. Inheritance: autosomal recessive or autosomal dominant.
von Willebrand disease type 2 (VWD2). Also called: VON WILLEBRAND DISEASE, TYPE 2A/IIE; VON WILLEBRAND DISEASE, TYPE 2CB; VON WILLEBRAND DISEASE, TYPE II; VWD, TYPE 2. Identifiers: Orphanet 166081, Orphanet 903, MedGen C1264040, MONDO:0013304, OMIM 613554.
von Willebrand disease type 3 (VWD3). Also called: Type 3 Von Willebrand's disease; Type 3 VWD; Von Willebrand disease, severe form; V WD3; VON WILLEBRAND DISEASE, TYPE III. Identifiers: Orphanet 166096, MedGen C1264041, MONDO:0010191, OMIM 277480.
Hereditary von Willebrand disease. Identifiers: Orphanet 903, MedGen C5703318, MONDO:0019565. Inheritance: Autosomal recessive or Autosomal dominant.

Allele frequency attached by ClinVar (database versions not stated): gnomAD exomes 0.01555; ExAC 0.01954; gnomAD 0.05677 and 0.06069; TOPMed 0.06398; 1000 Genomes Project 0.06829; ESP Exome Variant Server 0.06843; 1000 Genomes Project 30x 0.07167.
gnomAD v4.1: 17,865 of 1,613,710 alleles (1.1%); highest among the groups gnomAD compares: African/African-American, 19%; 1,462 homozygotes.

Submissions (19):

ARUP Laboratories, Molecular Genetics and Genomics, ARUP Laboratories
Classification: Benign. Last evaluated: 2025-06-30. Review status: criteria provided, single submitter. Criteria: ARUP Molecular Germline Variant Investigation Process 2024. Collection method: clinical testing. Allele origin: germline.

Quest Diagnostics Nichols Institute San Juan Capistrano
Classification: Benign. Last evaluated: 2022-04-28. Review status: criteria provided, single submitter. Criteria: Quest Diagnostics criteria. Collection method: clinical testing. Allele origin: unknown.

Fulgent Genetics
Classification: Benign for von Willebrand disease type 1; von Willebrand disease type 3; von Willebrand disease type 2. Last evaluated: 2022-04-26. Review status: criteria provided, single submitter. Criteria: ACMG Guidelines, 2015. Collection method: clinical testing. Allele origin: unknown.

Genome-Nilou Lab
Classification: Benign for von Willebrand disease type 1. Last evaluated: 2021-12-05. Review status: criteria provided, single submitter. Criteria: ACMG Guidelines, 2015. Collection method: clinical testing. Allele origin: germline. Affected: no.

Genome-Nilou Lab
Classification: Benign for von Willebrand disease type 3. Last evaluated: 2021-12-05. Review status: criteria provided, single submitter. Criteria: ACMG Guidelines, 2015. Collection method: clinical testing. Allele origin: germline. Affected: no.

Genome-Nilou Lab
Classification: Benign for von Willebrand disease type 2. Last evaluated: 2021-12-05. Review status: criteria provided, single submitter. Criteria: ACMG Guidelines, 2015. Collection method: clinical testing. Allele origin: germline. Affected: no.

Breakthrough Genomics
Classification: Likely benign. Review status: criteria provided, single submitter. Criteria: ACMG Guidelines, 2015. Collection method: not provided. Allele origin: germline. Inheritance: Autosomal recessive inheritance. Affected: yes.

PreventionGenetics, part of Exact Sciences
Classification: Benign. Review status: criteria provided, single submitter. Criteria: ACMG Guidelines, 2015. Collection method: clinical testing. Allele origin: germline.

Academic Unit of Haematology, University of Sheffield
No classification provided. Review status: no classification provided. Collection method: not provided. Allele origin: not provided. Not counted in ClinVar's aggregate classification.

Dr. Peter K. Rogan Lab, Western University
No classification provided (evidence only). Condition: Clear cell carcinoma of kidney. Review status: no classification provided. Collection method: in vitro. Allele origin: not applicable. Functional consequence: retained intron. Not counted in ClinVar's aggregate classification.

Dr. Peter K. Rogan Lab, Western University
No classification provided (evidence only). Condition: Lung cancer. Review status: no classification provided. Collection method: in vitro. Allele origin: not applicable. Functional consequence: retained intron. Not counted in ClinVar's aggregate classification.

Dr. Peter K. Rogan Lab, Western University
No classification provided (evidence only). Condition: Colon adenocarcinoma. Review status: no classification provided. Collection method: in vitro. Allele origin: not applicable. Functional consequence: retained intron. Not counted in ClinVar's aggregate classification.

Dr. Peter K. Rogan Lab, Western University
No classification provided (evidence only). Condition: Thyroid cancer, nonmedullary, 1. Review status: no classification provided. Collection method: in vitro. Allele origin: not applicable. Functional consequence: retained intron. Not counted in ClinVar's aggregate classification.

Dr. Peter K. Rogan Lab, Western University
No classification provided (evidence only). Condition: Cervical cancer. Review status: no classification provided. Collection method: in vitro. Allele origin: not applicable. Functional consequence: retained intron. Not counted in ClinVar's aggregate classification.

Dr. Peter K. Rogan Lab, Western University
No classification provided (evidence only). Condition: Pancreatic adenocarcinoma. Review status: no classification provided. Collection method: in vitro. Allele origin: not applicable. Functional consequence: retained intron. Not counted in ClinVar's aggregate classification.

Dr. Peter K. Rogan Lab, Western University
No classification provided (evidence only). Condition: Thymoma. Review status: no classification provided. Collection method: in vitro. Allele origin: not applicable. Functional consequence: retained intron. Not counted in ClinVar's aggregate classification.

Dr. Peter K. Rogan Lab, Western University
No classification provided (evidence only). Condition: Ovarian serous cystadenocarcinoma. Review status: no classification provided. Collection method: in vitro. Allele origin: not applicable. Functional consequence: retained intron. Not counted in ClinVar's aggregate classification.

Dr. Peter K. Rogan Lab, Western University
No classification provided (evidence only). Condition: Gastric cancer. Review status: no classification provided. Collection method: in vitro. Allele origin: not applicable. Functional consequence: retained intron. Not counted in ClinVar's aggregate classification.

ISTH-SSC Genomics in Thrombosis and Hemostasis, KU Leuven, Center for Molecular and Vascular Biology
Classification: Likely benign for von Willebrand disorder. Review status: no assertion criteria provided. Collection method: research. Allele origin: unknown. Affected: yes. Not counted in ClinVar's aggregate classification.
Comment: Submitted to GoldVariant by Dr Marie-Christine Morel-Kopp from Northern Blood Research Centre, Sydney, Australia

Literature cited by the submitters: PubMed 21711445 (cited by Quest Diagnostics Nichols Institute San Juan Capistrano); PubMed 17190853 (cited by Quest Diagnostics Nichols Institute San Juan Capistrano); PubMed 22197721 (cited by Quest Diagnostics Nichols Institute San Juan Capistrano); PubMed 23690449 (cited by Quest Diagnostics Nichols Institute San Juan Capistrano).

NM_000552.5(VWF):c.6554G>A (p.Arg2185Gln)

Gene: VWF (von Willebrand factor; minus strand). Cytogenetic location: 12p13.31.
Variant type: single nucleotide variant.
Coding change: c.6554G>A on transcript NM_000552.5 (MANE Select); coding-DNA position 6554, G replaced by A.
Protein change: p.Arg2185Gln; replaces arginine 2185 with glutamine.
Molecular consequence: missense variant.
Genome position (GRCh38, 1-based): chr12:5,993,906, C>T on the plus strand (G>A on the coding strand, the complement: VWF is on the minus strand). VCF-style: chr12-5993906-C-T. GRCh37 (hg19) VCF-style: chr12-6103072-C-T.
Other names: c.6554G>A (NM_000552.4); short protein forms R2185Q.
Identifiers: ClinVar variation 100443 (VCV000100443.17), dbSNP rs2229446, ClinGen allele CA228748.